The following is an entry in ClinVar:

NM_000215.4(JAK3):c.2491-3C>G

Gene: JAK3 (Janus kinase 3; minus strand). Cytogenetic location: 19p13.11.
Variant type: single nucleotide variant.
Coding change: c.2491-3C>G on transcript NM_000215.4 (MANE Select); 3 bases into the intron before coding-DNA position 2491, C replaced by G.
Molecular consequence: intron variant.
Genome position (GRCh38, 1-based): chr19:17,832,711, G>C on the plus strand (C>G on the coding strand, the complement: JAK3 is on the minus strand). VCF-style: chr19-17832711-G-C. GRCh37 (hg19) VCF-style: chr19-17943520-G-C.
Identifiers: ClinVar variation 567444 (VCV000567444.9), dbSNP rs1568401934, ClinGen allele CA891843602.

ClinVar aggregate classification (germline): Uncertain significance (1 of 4 stars; one submission).

Conditions:
T-B+ severe combined immunodeficiency due to JAK3 deficiency. Also called: SCID, autosomal recessive, T-negative/B-positive type; SCID, T CELL-NEGATIVE, B CELL-POSITIVE, NK CELL-NEGATIVE. Identifiers: Orphanet 35078, MedGen C1833275, MONDO:0010938, OMIM 600802.

Allele frequency attached by ClinVar (database versions not stated): gnomAD exomes below 0.00001; gnomAD 0.00001; TOPMed 0.00002.
gnomAD v4.1: 3 of 1,614,094 alleles (0.00019%); highest among the groups gnomAD compares: African/African-American, 0.004%; no homozygotes.

Submission:

Labcorp Genetics (formerly Invitae), Labcorp
Classification: Uncertain significance for T-B+ severe combined immunodeficiency due to JAK3 deficiency. Last evaluated: 2019-03-06. Review status: criteria provided, single submitter. Criteria: Invitae Variant Classification Sherloc (09022015). Collection method: clinical testing. Allele origin: germline.
Comment: In summary, the available evidence is currently insufficient to determine the role of this variant in disease. Therefore, it has been classified as a Variant of Uncertain Significance. Nucleotide substitutions within the consensus splice site are a relatively common cause of aberrant splicing (PMID: 17576681, 9536098). Algorithms developed to predict the effect of sequence changes on RNA splicing suggest that this variant may disrupt the consensus splice site, but this prediction has not been confirmed by published transcriptional studies. This variant has not been reported in the literature in individuals with JAK3-related disease. This variant is not present in population databases (ExAC no frequency). This sequence change falls in intron 18 of the JAK3 gene. It does not directly change the encoded amino acid sequence of the JAK3 protein, but it affects a nucleotide within the consensus splice site of the intron.

Literature cited by the submitters: PubMed 17576681; PubMed 9536098.